The following is an entry in ClinVar:

NM_015346.4(ZFYVE26):c.715C>T (p.Leu239=)

Gene: ZFYVE26 (zinc finger FYVE-type containing 26; minus strand). Cytogenetic location: 14q24.1.
Variant type: single nucleotide variant.
Coding change: c.715C>T on transcript NM_015346.4 (MANE Select); coding-DNA position 715, C replaced by T.
Protein change: p.Leu239=; no amino-acid change (leucine 239 retained).
Molecular consequence: synonymous variant.
Genome position (GRCh38, 1-based): chr14:67,807,569, G>A on the plus strand (C>T on the coding strand, the complement: ZFYVE26 is on the minus strand). VCF-style: chr14-67807569-G-A. GRCh37 (hg19) VCF-style: chr14-68274286-G-A.
Identifiers: ClinVar variation 2202458 (VCV002202458.28), dbSNP rs927216336, ClinGen allele CA262812343.
Genomic context (GRCh38, chr14:67,807,569, plus strand): 5'-GCCGCTCCTCCCGCAGGGGACTCCCCTCGGTCCTGCAGGCCTCTAGTAGTTCCTCACACA[G>A]GAGATGCAACTCAACCCCAAGTGGTTCTGCGGGGCAACGCAGAGTCCGCAGGGCTCCATA-3'
Protein context (NP_056161.2, residues 229-249): AEPLGVELHL[Leu239=]CEELLEACRT

ClinVar aggregate classification (germline): Conflicting classifications of pathogenicity. Review status: criteria provided, conflicting classifications (1 of 4 stars). 2 submissions from 2 submitters: Uncertain significance (1); Likely benign (1). Last evaluated 2025-02-11.

Conditions:
Spastic paraplegia. Identifiers: MedGen C0037772, HP:0001258.

Allele frequency attached by ClinVar (database versions not stated): gnomAD 0.00001; TOPMed 0.00001.
gnomAD v4.1: 1 of 1,614,076 alleles (0.000062%); highest among the groups gnomAD compares: Non-Finnish European, 0.000085%; no homozygotes.

Submissions (2):

Labcorp Genetics (formerly Invitae), Labcorp
Classification: Likely benign for Spastic paraplegia. Last evaluated: 2025-02-11. Review status: criteria provided, single submitter. Criteria: Invitae Variant Classification Sherloc (09022015). Collection method: clinical testing. Allele origin: germline.

CeGaT Center for Human Genetics Tuebingen
Classification: Uncertain significance. Last evaluated: 2022-05-01. Review status: criteria provided, single submitter. Criteria: CeGaT Center For Human Genetics Tuebingen Variant Classification Criteria Version 2. Collection method: clinical testing. Allele origin: germline. Affected: yes. Observed: 1 variant allele.
Comment: ZFYVE26: PM2, BP4